The following is an entry in ClinVar:

NM_021870.3(FGG):c.1031A>G (p.Asp344Gly)

Gene: FGG (fibrinogen gamma chain; minus strand). Cytogenetic location: 4q32.1.
Variant type: single nucleotide variant.
Coding change: c.1031A>G on transcript NM_021870.3 (MANE Select); coding-DNA position 1031, A replaced by G.
Protein change: p.Asp344Gly; replaces aspartic acid 344 with glycine.
Molecular consequence: missense variant.
Genome position (GRCh38, 1-based): chr4:154,606,803, T>C on the plus strand (A>G on the coding strand, the complement: FGG is on the minus strand). VCF-style: chr4-154606803-T-C. GRCh37 (hg19) VCF-style: chr4-155527955-T-C.
Other names: c.1031A>G, p.Asp344Gly (NM_000509.6); short protein forms D344G.
Identifiers: ClinVar variation 4689474 (VCV004689474.1).

ClinVar aggregate classification (germline): Uncertain significance (1 of 4 stars; one submission).

Submission:

Women's Health and Genetics/Laboratory Corporation of America, LabCorp
Classification: Uncertain significance. Last evaluated: 2026-01-27. Review status: criteria provided, single submitter. Criteria: LabCorp Variant Classification Summary - May 2015. Collection method: clinical testing. Allele origin: germline.
Comment: Variant summary: FGG c.1031A>G (p.Asp344Gly), also referred to as p.Asp318Gly, results in a non-conservative amino acid change in the encoded protein sequence. Algorithms developed to predict the effect of missense changes on protein structure and function all suggest that this variant is likely to be disruptive. The variant was absent in 251354 control chromosomes. The available data on variant occurrences in the general population are insufficient to allow any conclusion about variant significance. c.1031A>G has been observed in an individual affected with dysfibrinogenemia, thrombophilia, and mild bleeding (e.g. Cote_1998). To our knowledge, no experimental evidence demonstrating an impact on protein function has been reported. However, a different variant affecting the same codon has been classified as likely pathogenic (c.1030G>T, Asp344Tyr), supporting the critical relevance of codon 344 to FGG protein function. The following publication has been ascertained in the context of this evaluation (PMID: 9746756). No submitters have cited clinical-significance assessments for this variant to ClinVar. Based on the evidence outlined above, the variant was classified as VUS-possibly pathogenic.

Literature cited by the submitters: PubMed 9746756.